The following is an entry in ClinVar:

ClinVar aggregate classification (germline): Uncertain significance (1 of 4 stars; one submission).

Conditions:
Congenital adrenal hypoplasia, X-linked (AHC). Also called: Isolated X-Linked Adrenal Hypoplasia Congenita; X-linked AHC; X-Linked Adrenal Hypoplasia Congenita; ADRENAL HYPOPLASIA, CONGENITAL, WITH HYPOGONADOTROPIC HYPOGONADISM. Identifiers: Orphanet 95702, MedGen C0342482, MONDO:0010264, OMIM 300200. Disease mechanism: loss of function.
46,XY sex reversal 2. Also called: NR0B1-Related 46,XY CGD; NR0B1-related 46,XY complete gonadal dysgenesis; Dosage-sensitive sex reversal; 46,XY SEX REVERSAL, DAX1-RELATED; 46XY sex reversal 2, dosage-sensitive. Identifiers: MedGen C1848296, MONDO:0010226, OMIM 300018.

Allele frequency attached by ClinVar (database versions not stated): TOPMed below 0.00001.

Submission:

Labcorp Genetics (formerly Invitae), Labcorp
Classification: Uncertain significance for Congenital adrenal hypoplasia, X-linked; 46,XY sex reversal 2. Last evaluated: 2024-01-07. Review status: criteria provided, single submitter. Criteria: Invitae Variant Classification Sherloc (09022015). Collection method: clinical testing. Allele origin: germline.
Comment: This sequence change replaces alanine, which is neutral and non-polar, with threonine, which is neutral and polar, at codon 223 of the NR0B1 protein (p.Ala223Thr). This variant is not present in population databases (gnomAD no frequency). This variant has not been reported in the literature in individuals affected with NR0B1-related conditions. Advanced modeling of protein sequence and biophysical properties (such as structural, functional, and spatial information, amino acid conservation, physicochemical variation, residue mobility, and thermodynamic stability) performed at Invitae indicates that this missense variant is not expected to disrupt NR0B1 protein function with a negative predictive value of 80%. In summary, the available evidence is currently insufficient to determine the role of this variant in disease. Therefore, it has been classified as a Variant of Uncertain Significance.

NM_000475.5(NR0B1):c.667G>A (p.Ala223Thr)

Gene: NR0B1 (nuclear receptor subfamily 0 group B member 1; minus strand). Cytogenetic location: Xp21.2.
Variant type: single nucleotide variant.
Coding change: c.667G>A on transcript NM_000475.5 (MANE Select); coding-DNA position 667, G replaced by A.
Protein change: p.Ala223Thr; replaces alanine 223 with threonine.
Molecular consequence: missense variant.
Genome position (GRCh38, 1-based): chrX:30,308,697, C>T on the plus strand (G>A on the coding strand, the complement: NR0B1 is on the minus strand). VCF-style: chrX-30308697-C-T. GRCh37 (hg19) VCF-style: chrX-30326814-C-T.
Other names: short protein forms A223T.
Identifiers: ClinVar variation 2924481 (VCV002924481.3), dbSNP rs1926576351, ClinGen allele CA412548137.